The following is an entry in ClinVar:

NM_000548.5(TSC2):c.267_268delinsTT (p.Leu89_Gln90delinsPheTer)

Gene: TSC2 (TSC complex subunit 2; plus strand). Cytogenetic location: 16p13.3.
Variant type: Indel.
Coding change: c.267_268delinsTT on transcript NM_000548.5 (MANE Select); coding-DNA positions 267 to 268, GC replaced by TT.
Protein change: p.Leu89_Gln90delinsPheTer.
Molecular consequence: nonsense. On other transcripts: intron variant (2).
Genome position (GRCh38, 1-based): chr16:2,053,383-2,053,384, GC replaced by TT. VCF-style: chr16-2053383-GC-TT. GRCh37 (hg19) VCF-style: chr16-2103384-GC-TT.
Other names: c.-1165_-1164delGCinsTT (NM_001406697.1, NM_001406689.1, NM_001406690.1 and 2 more transcripts); c.-1341_-1340delGCinsTT (NM_001406698.1); c.267_268delinsTT, p.Leu89_Gln90delinsPheTer (NM_021055.3, NM_001077183.3, NM_001114382.3 and 3 more transcripts); c.226-913_226-912delinsTT (NM_001318827.2); c.-1-2813_-1-2812delinsTT (NM_001318831.2); c.120_121delinsTT, p.Leu40_Gln41delinsPheTer (NM_001318829.2); c.300_301delinsTT, p.Leu100_Gln101delinsPheTer (NM_001318832.2); c.267_268delGCinsTT, p.Leu89_Gln90delinsPheTer (NM_001406663.1, NM_001406664.1, NM_001406665.1 and 4 more transcripts); and 6 more.
Identifiers: ClinVar variation 2033631 (VCV002033631.4), dbSNP rs2548397273, ClinGen allele CA2580090622.

ClinVar aggregate classification (germline): Pathogenic (1 of 4 stars; one submission).

Conditions:
Tuberous sclerosis 2 (TSC2). Identifiers: Orphanet 805, MedGen C1860707, MONDO:0013199, OMIM 613254.

Submission:

Labcorp Genetics (formerly Invitae), Labcorp
Classification: Pathogenic for Tuberous sclerosis 2. Last evaluated: 2022-10-01. Review status: criteria provided, single submitter. Criteria: Invitae Variant Classification Sherloc (09022015). Collection method: clinical testing. Allele origin: germline.
Comment: This variant has not been reported in the literature in individuals affected with TSC2-related conditions. For these reasons, this variant has been classified as Pathogenic. Information on the frequency of this variant in the gnomAD database is not available, as this variant may be reported differently in the database. This sequence change creates a premature translational stop signal (p.Leu89_Gln90delinsPhe*) in the TSC2 gene. It is expected to result in an absent or disrupted protein product. Loss-of-function variants in TSC2 are known to be pathogenic (PMID: 10205261, 17304050).

Literature cited by the submitters: PubMed 10205261; PubMed 17304050.